The following is an entry in ClinVar:

ClinVar aggregate classification (germline): Uncertain significance (1 of 4 stars; one submission).

Allele frequency attached by ClinVar (database versions not stated): gnomAD exomes below 0.00001; gnomAD 0.00001.
gnomAD v4.1: 4 of 1,613,524 alleles (0.00025%); highest among the groups gnomAD compares: African/African-American, 0.0013%; no homozygotes.

Submission:

Labcorp Genetics (formerly Invitae), Labcorp
Classification: Uncertain significance. Last evaluated: 2022-07-25. Review status: criteria provided, single submitter. Criteria: Invitae Variant Classification Sherloc (09022015). Collection method: clinical testing. Allele origin: germline.
Comment: This variant is not present in population databases (gnomAD no frequency). In summary, the available evidence is currently insufficient to determine the role of this variant in disease. Therefore, it has been classified as a Variant of Uncertain Significance. Algorithms developed to predict the effect of missense changes on protein structure and function are either unavailable or do not agree on the potential impact of this missense change (SIFT: "Deleterious"; PolyPhen-2: "Probably Damaging"; Align-GVGD: "Class C0"). ClinVar contains an entry for this variant (Variation ID: 1490987). This variant has not been reported in the literature in individuals affected with PDE6C-related conditions. This sequence change replaces proline, which is neutral and non-polar, with arginine, which is basic and polar, at codon 156 of the PDE6C protein (p.Pro156Arg).

NM_006204.4(PDE6C):c.467C>G (p.Pro156Arg)

Gene: PDE6C (phosphodiesterase 6C; plus strand). Cytogenetic location: 10q23.33.
Variant type: single nucleotide variant.
Coding change: c.467C>G on transcript NM_006204.4 (MANE Select); coding-DNA position 467, C replaced by G.
Protein change: p.Pro156Arg; replaces proline 156 with arginine.
Molecular consequence: missense variant.
Genome position (GRCh38, 1-based): chr10:93,613,192, C>G. VCF-style: chr10-93613192-C-G. GRCh37 (hg19) VCF-style: chr10-95372949-C-G.
Other names: short protein forms P156R.
Identifiers: ClinVar variation 1490987 (VCV001490987.6), dbSNP rs2058401142, ClinGen allele CA377622981.